The following is an entry in ClinVar:

NM_001276345.2(TNNT2):c.164-11G>A

Gene: TNNT2 (troponin T2, cardiac type; minus strand). Cytogenetic location: 1q32.1.
Variant type: single nucleotide variant.
Coding change: c.164-11G>A on transcript NM_001276345.2 (MANE Select); 11 bases into the intron before coding-DNA position 164, G replaced by A.
Molecular consequence: intron variant.
Genome position (GRCh38, 1-based): chr1:201,367,817, C>T on the plus strand (G>A on the coding strand, the complement: TNNT2 is on the minus strand). VCF-style: chr1-201367817-C-T. GRCh37 (hg19) VCF-style: chr1-201336945-C-T.
Other names: c.119-11G>A (NM_001001432.3); c.134-11G>A (NM_001001431.3, NM_001001430.3, NM_001276347.2); c.164-14G>A (NM_001276346.2); c.164-11G>A (NM_000364.4).
Identifiers: ClinVar variation 927103 (VCV000927103.11), dbSNP rs1410150306, ClinGen allele CA528094091.

ClinVar aggregate classification (germline): Likely benign. Review status: criteria provided, multiple submitters, no conflicts (2 of 4 stars). 6 submissions from 4 submitters: Likely benign (6). Last evaluated 2026-01-15.

Conditions:
Cardiomyopathy (CMYO). Also called: Cardiomyopathies. Identifiers: Orphanet 167848, MedGen C0878544, MONDO:0004994, HP:0001638. Inheritance: Various modes of inheritance.
Dilated cardiomyopathy 1D. Identifiers: Orphanet 154, Orphanet 54260, MedGen C1832243, MONDO:0011095, OMIM 601494.
Cardiomyopathy, familial restrictive, 3. Identifiers: Orphanet 75249, MedGen C2676271, MONDO:0012900, OMIM 612422.
Hypertrophic cardiomyopathy 2. Also called: TNNT2-Related Familial Hypertrophic Cardiomyopathy. Identifiers: MedGen C1861864, MONDO:0007266, OMIM 115195.

Allele frequency attached by ClinVar (database versions not stated): gnomAD exomes below 0.00001; TOPMed below 0.00001; gnomAD 0.00001.
gnomAD v4.1: 6 of 1,614,026 alleles (0.00037%); highest among the groups gnomAD compares: African/African-American, 0.0027%; no homozygotes.

Submissions (6):

Labcorp Genetics (formerly Invitae), Labcorp
Classification: Likely benign for Cardiomyopathy, familial restrictive, 3; Hypertrophic cardiomyopathy 2; Dilated cardiomyopathy 1D. Last evaluated: 2026-01-15. Review status: criteria provided, single submitter. Criteria: Invitae Variant Classification Sherloc (09022015). Collection method: clinical testing. Allele origin: germline.

All of Us Research Program, National Institutes of Health
Classification: Likely benign for Cardiomyopathy. Last evaluated: 2023-05-08. Review status: criteria provided, single submitter. Criteria: ACMG Guidelines, 2015. Collection method: clinical testing. Allele origin: germline. Inheritance: Autosomal dominant inheritance. Observed: 2 variant alleles, 2 heterozygotes.
Comment: This study involves interpretation of variants in research participants for the purpose of population health screening. Participant phenotype was not available at the time of variant classification. Additional details can be found in publication PMID: 35346344, PMCID: PMC8962531

Genome-Nilou Lab
Classification: Likely benign for Dilated cardiomyopathy 1D. Last evaluated: 2023-04-11. Review status: criteria provided, single submitter. Criteria: ACMG Guidelines, 2015. Collection method: clinical testing. Allele origin: germline. Affected: no.

Genome-Nilou Lab
Classification: Likely benign for Cardiomyopathy, familial restrictive, 3. Last evaluated: 2023-04-11. Review status: criteria provided, single submitter. Criteria: ACMG Guidelines, 2015. Collection method: clinical testing. Allele origin: germline. Affected: no.

Genome-Nilou Lab
Classification: Likely benign for Hypertrophic cardiomyopathy 2. Last evaluated: 2023-04-11. Review status: criteria provided, single submitter. Criteria: ACMG Guidelines, 2015. Collection method: clinical testing. Allele origin: germline. Affected: no.

Color Diagnostics, LLC DBA Color Health
Classification: Likely benign for Cardiomyopathy. Last evaluated: 2020-02-09. Review status: criteria provided, single submitter. Criteria: ACMG Guidelines, 2015. Collection method: clinical testing. Allele origin: germline.